The following is an entry in ClinVar:

ClinVar aggregate classification (germline): Uncertain significance (1 of 4 stars; one submission).

Submission:

Labcorp Genetics (formerly Invitae), Labcorp
Classification: Uncertain significance. Last evaluated: 2024-05-07. Review status: criteria provided, single submitter. Criteria: Invitae Variant Classification Sherloc (09022015). Collection method: clinical testing. Allele origin: germline.
Comment: This sequence change replaces valine, which is neutral and non-polar, with leucine, which is neutral and non-polar, at codon 31 of the KCNH1 protein (p.Val31Leu). This variant is not present in population databases (gnomAD no frequency). This variant has not been reported in the literature in individuals affected with KCNH1-related conditions. ClinVar contains an entry for this variant (Variation ID: 1363345). Advanced modeling of protein sequence and biophysical properties (such as structural, functional, and spatial information, amino acid conservation, physicochemical variation, residue mobility, and thermodynamic stability) performed at Invitae indicates that this missense variant is expected to disrupt KCNH1 protein function with a positive predictive value of 95%. In summary, the available evidence is currently insufficient to determine the role of this variant in disease. Therefore, it has been classified as a Variant of Uncertain Significance.

NM_172362.3(KCNH1):c.91G>T (p.Val31Leu)

Gene: KCNH1 (potassium voltage-gated channel subfamily H member 1; minus strand). Cytogenetic location: 1q32.2.
Variant type: single nucleotide variant.
Coding change: c.91G>T on transcript NM_172362.3 (MANE Select); coding-DNA position 91, G replaced by T.
Protein change: p.Val31Leu; replaces valine 31 with leucine.
Molecular consequence: missense variant.
Genome position (GRCh38, 1-based): chr1:211,107,366, C>A on the plus strand (G>T on the coding strand, the complement: KCNH1 is on the minus strand). VCF-style: chr1-211107366-C-A. GRCh37 (hg19) VCF-style: chr1-211280708-C-A.
Other names: c.91G>T, p.Val31Leu (NM_002238.4); short protein forms V31L.
Identifiers: ClinVar variation 1363345 (VCV001363345.8), dbSNP rs199830388, ClinGen allele CA37159309.
Genomic context (GRCh38, chr1:211,107,366, plus strand): 5'-TGCAAAATCCATCATTGCTGTACACAATAGGCCAGTCCACTATCTGAGCATTCCCCAACA[C>A]AAAATTAGTATCTGTTAAAAAAAAAAAAAAGGGAAAAAAGGGCACATGAGGCAACACATT-3'
Protein context (NP_758872.1, residues 21-41): IVRRSNDTNF[Val31Leu]LGNAQIVDWP